The following is an entry in ClinVar:

NM_001278116.2(L1CAM):c.554_557dup (p.Met187fs)

Gene: L1CAM (L1 cell adhesion molecule; minus strand). Cytogenetic location: Xq28.
Variant type: Duplication.
Coding change: c.554_557dup on transcript NM_001278116.2 (MANE Select); coding-DNA positions 554 to 557, 4 bases duplicated (TGAC; older notation c.554_557dupTGAC).
Protein change: p.Met187fs; shifts the reading frame from methionine 187.
Molecular consequence: frameshift variant.
Genome position (GRCh38, 1-based): chrX:153,870,927-153,870,930, GTCA duplicated on the plus strand (TGAC on the coding strand, the reverse complement: L1CAM is on the minus strand). VCF-style (leftmost placement, unchanged base first): chrX-153870926-C-CGTCA. GRCh37 (hg19) VCF-style: chrX-153136381-C-CGTCA.
Other names: c.554_557dup, p.Met187fs (NM_000425.5, NM_024003.3); c.539_542dup, p.Met182fs (NM_001143963.2); short protein forms M182fs, M187fs.
Identifiers: ClinVar variation 4531212 (VCV004531212.1).

ClinVar aggregate classification (germline): Pathogenic (1 of 4 stars; one submission).

Conditions:
X-linked hydrocephalus syndrome (HYCX). Also called: X-Linked Hydrocephalus with Stenosis of the Aqueduct of Sylvius (HSAS); AQUEDUCTAL STENOSIS, X-LINKED; X-Linked Hydrocephalus with Stenosis of the Aqueduct of Sylvius; X-linked hydrocephalus; HYDROCEPHALUS, CONGENITAL, X-LINKED. Identifiers: Orphanet 2182, MedGen C0265216, MONDO:0010611, OMIM 307000.
MASA syndrome. Also called: MASA (Mental Retardation, Adducted Thumbs, Shuffling Gait, Aphasia) Syndrome, Including SPG1 (X-Linked Complicated Hereditary Spastic Paraplegia Type 1); ADDUCTED THUMB WITH MENTAL RETARDATION; CLASPED THUMB AND MENTAL RETARDATION; GAREIS-MASON SYNDROME; MENTAL RETARDATION, APHASIA, SHUFFLING GAIT, AND ADDUCTED THUMBS; SPASTIC PARAPLEGIA 1, X-LINKED. Identifiers: Orphanet 2466, MedGen C0795953, MONDO:0010559, OMIM 303350.
X-linked complicated corpus callosum dysgenesis. Also called: X-Linked Complicated Corpus Callosum Agenesis. Identifiers: Orphanet 1497, MedGen C1839909, MONDO:0010569, OMIM 304100.

Submission:

Juno Genomics, Hangzhou Juno Genomics, Inc
Classification: Pathogenic for X-linked complicated corpus callosum dysgenesis; X-linked hydrocephalus syndrome; MASA syndrome. Review status: criteria provided, single submitter. Criteria: ACMG Guidelines, 2015. Collection method: clinical testing. Allele origin: germline. Affected: yes.
Comment: Absent from controls (or at extremely low frequency if recessive) in Genome Aggregation Database, Exome Sequencing Project, 1000 Genomes Project, or Exome Aggregation Consortium.;Null variant in a gene where loss of function (LOF) is a known mechanism of disease.;Patient's phenotype or family history is highly specific for a disease with a single genetic etiology.